The following is an entry in ClinVar:

NM_000093.5(COL5A1):c.3988G>A (p.Gly1330Arg)

Gene: COL5A1 (collagen type V alpha 1 chain; plus strand). Cytogenetic location: 9q34.3.
Variant type: single nucleotide variant.
Coding change: c.3988G>A on transcript NM_000093.5 (MANE Select); coding-DNA position 3988, G replaced by A.
Protein change: p.Gly1330Arg; replaces glycine 1330 with arginine.
Molecular consequence: missense variant.
Genome position (GRCh38, 1-based): chr9:134,814,878, G>A. VCF-style: chr9-134814878-G-A. GRCh37 (hg19) VCF-style: chr9-137706724-G-A.
Other names: c.3988G>A, p.Gly1330Arg (NM_001278074.1); c.3988G>A (NM_000093.3); short protein forms G1330R.
Identifiers: ClinVar variation 409106 (VCV000409106.12), dbSNP rs1060502254, ClinGen allele CA16612525.
Genomic context (GRCh38, chr9:134,814,878, plus strand): 5'-GAGAAGGGCGAGTCAGGCCCTTCAGGTGCTGCCGGACCCCCTGGACCCAAAGGCCCTCCC[G>A]GAGATGATGGTCCCAAAGGCAGCCCTGTGAGTATTCCAGACACACCTCAGGGGCCCTGCA-3'
Protein context (NP_000084.3, residues 1320-1340): AGPPGPKGPP[Gly1330Arg]DDGPKGSPGP

ClinVar aggregate classification (germline): Uncertain significance. Review status: criteria provided, multiple submitters, no conflicts (2 of 4 stars). 3 submissions from 3 submitters: Uncertain significance (3). Last evaluated 2024-11-18.

Conditions:
Ehlers-Danlos syndrome, classic type, 1 (EDSCL1). Also called: EDS I; EHLERS-DANLOS SYNDROME, GRAVIS TYPE; EHLERS-DANLOS SYNDROME, SEVERE CLASSIC TYPE; Ehlers-Danlos syndrome, type 1; Ehlers-Danlos Syndrome, Classic Type, COL5A1-Related. Identifiers: MedGen C0268335, MONDO:0019567, OMIM 130000.
Familial thoracic aortic aneurysm and aortic dissection (TAAD). Also called: Thoracic aortic aneurysms and dissections. Identifiers: Orphanet 91387, MedGen C4707243, MONDO:0019625.

Allele frequency attached by ClinVar (database versions not stated): gnomAD exomes below 0.00001.
gnomAD v4.1: 1 of 1,551,100 alleles (0.000064%); highest among the groups gnomAD compares: Non-Finnish European, 0.000087%; no homozygotes.

Submissions (3):

Blueprint Genetics
Classification: Uncertain significance. Last evaluated: 2024-11-18. Review status: criteria provided, single submitter. Criteria: ACMG Guidelines, 2015. Collection method: clinical testing. Allele origin: germline.

Ambry Genetics
Classification: Uncertain significance for Familial thoracic aortic aneurysm and aortic dissection. Last evaluated: 2024-10-02. Review status: criteria provided, single submitter. Criteria: Ambry Variant Classification Scheme 2023. Collection method: clinical testing. Allele origin: germline.
Comment: The c.3988G>A (p.G1330R) alteration is located in exon 50 (coding exon 50) of the COL5A1 gene. This alteration results from a G to A substitution at nucleotide position 3988, causing the glycine (G) at amino acid position 1330 to be replaced by an arginine (R). This variant was not reported in population-based cohorts in the Genome Aggregation Database (gnomAD). This amino acid position is highly conserved in available vertebrate species. Internal structural analysis indicates that this alteration disrupts the characteristic G-X-Y motif of the triple helical domain in the COL5A1 protein and inserts a bulky side chain into a sterically-constrained region (Bella, 1994; Hohenester, 2008; Ambry internal data). Glycine substitutions in the triple helical domain of COL5A1 have been reported in association with classic Ehlers-Danlos syndrome (cEDS), but the number of affected individuals is limited and several other COL5A1 glycine substitutions in the triple helical domain (e.g., p.G1078A and p.G1414A) are too common for disease in population databases (Symoens, 2012; Ritelli, 2013). This alteration is predicted to be deleterious by in silico analysis. Based on insufficient or conflicting evidence, the clinical significance of this alteration remains unclear.

Labcorp Genetics (formerly Invitae), Labcorp
Classification: Uncertain significance for Ehlers-Danlos syndrome, classic type, 1. Last evaluated: 2023-08-30. Review status: criteria provided, single submitter. Criteria: Invitae Variant Classification Sherloc (09022015). Collection method: clinical testing. Allele origin: germline.
Comment: This variant disrupts the triple helix domain of COL5A1. Glycine residues within the Gly-Xaa-Yaa repeats of the triple helix domain are required for the structure and stability of fibrillar collagens (PMID: 7695699, 8218237, 19344236), and variants at these glycine residues in COL5A1 are more frequently observed in individuals with disease than in the general population (PMID: 22696272, 23587214). However, the clinical significance of this observation remains uncertain since only a limited number of affected individuals have been described to date. In summary, the available evidence is currently insufficient to determine the role of this variant in disease. Therefore, it has been classified as a Variant of Uncertain Significance. Advanced modeling of protein sequence and biophysical properties (such as structural, functional, and spatial information, amino acid conservation, physicochemical variation, residue mobility, and thermodynamic stability) performed at Invitae indicates that this missense variant is expected to disrupt COL5A1 protein function. ClinVar contains an entry for this variant (Variation ID: 409106). This variant has not been reported in the literature in individuals affected with COL5A1-related conditions. This variant is not present in population databases (gnomAD no frequency). This sequence change replaces glycine, which is neutral and non-polar, with arginine, which is basic and polar, at codon 1330 of the COL5A1 protein (p.Gly1330Arg).

Literature cited by the submitters: PubMed 7695699 (cited by Ambry Genetics and Labcorp Genetics (formerly Invitae), Labcorp); PubMed 19011090 (cited by Ambry Genetics); PubMed 22696272 (cited by Ambry Genetics and Labcorp Genetics (formerly Invitae), Labcorp); PubMed 23587214 (cited by Ambry Genetics and Labcorp Genetics (formerly Invitae), Labcorp); PubMed 8218237 (cited by Labcorp Genetics (formerly Invitae), Labcorp); PubMed 19344236 (cited by Labcorp Genetics (formerly Invitae), Labcorp).